The following is an entry in ClinVar:

NM_001386135.1(AFF3):c.736G>C (p.Asp246His)

Gene: AFF3 (ALF transcription elongation factor 3; minus strand). Cytogenetic location: 2q11.2.
Variant type: single nucleotide variant.
Coding change: c.736G>C on transcript NM_001386135.1 (MANE Select); coding-DNA position 736, G replaced by C.
Protein change: p.Asp246His; replaces aspartic acid 246 with histidine.
Molecular consequence: missense variant.
Genome position (GRCh38, 1-based): chr2:100,006,769, C>G on the plus strand (G>C on the coding strand, the complement: AFF3 is on the minus strand). VCF-style: chr2-100006769-C-G. GRCh37 (hg19) VCF-style: chr2-100623231-C-G.
Other names: c.811G>C, p.Asp271His (NM_001025108.2); c.736G>C, p.Asp246His (NM_002285.3); short protein forms D246H, D271H.
Identifiers: ClinVar variation 1709819 (VCV001709819.2), dbSNP rs2469090114, ClinGen allele CA347963673.

ClinVar aggregate classification (germline): Uncertain significance (1 of 4 stars; one submission).

Conditions:
KINSSHIP syndrome. Also called: MESOMELIC DYSPLASIA, STEICHEN-GERSDORF TYPE; MESOMELIC DYSPLASIA, AFF3-RELATED. Identifiers: MedGen C5543317, MONDO:0851095, OMIM 619297.

Submission:

MGZ Medical Genetics Center
Classification: Uncertain significance for KINSSHIP syndrome. Last evaluated: 2022-06-20. Review status: criteria provided, single submitter. Criteria: ACMG Guidelines, 2015. Collection method: clinical testing. Allele origin: germline. Affected: yes. Observed: 1 variant allele.
Comment: ACMG criteria applied: PM1, PM2_SUP